The following is an entry in ClinVar:

ClinVar aggregate classification (germline): Pathogenic (1 of 4 stars; one submission).

Conditions:
Hereditary breast ovarian cancer syndrome. Also called: BRCA1- and BRCA2-Associated Hereditary Breast and Ovarian Cancer; Hereditary breast and ovarian cancer; Hereditary breast and ovarian cancer syndrome (HBOC); Breast and ovarian cancer; Hereditary breast and ovarian cancer syndrome; Hereditary breast and/or ovarian cancer syndrome. Identifiers: Orphanet 145, MedGen C0677776, MeSH D061325, MONDO:0003582. Disease mechanism: loss of function.

Submission:

Labcorp Genetics (formerly Invitae), Labcorp
Classification: Pathogenic for Hereditary breast ovarian cancer syndrome. Last evaluated: 2022-08-20. Review status: criteria provided, single submitter. Criteria: Invitae Variant Classification Sherloc (09022015). Collection method: clinical testing. Allele origin: germline.
Comment: This sequence change creates a premature translational stop signal (p.Leu246Glufs*4) in the BRCA1 gene. It is expected to result in an absent or disrupted protein product. Loss-of-function variants in BRCA1 are known to be pathogenic (PMID: 20104584). This variant is not present in population databases (gnomAD no frequency). This variant has not been reported in the literature in individuals affected with BRCA1-related conditions. For these reasons, this variant has been classified as Pathogenic.

Literature cited by the submitters: PubMed 20104584.

NM_007294.4(BRCA1):c.736_737del (p.Leu246fs)

Gene: BRCA1 (BRCA1 DNA repair associated; minus strand). Cytogenetic location: 17q21.31.
Variant type: Deletion.
Coding change: c.736_737del on transcript NM_007294.4 (MANE Select); coding-DNA positions 736 to 737, 2 bases deleted (TT; older notation c.736_737delTT).
Protein change: p.Leu246fs; shifts the reading frame from leucine 246.
Molecular consequence: frameshift variant. On other transcripts: non-coding transcript variant (1).
Genome position (GRCh38, 1-based): chr17:43,094,794-43,094,795, AA deleted on the plus strand (TT on the coding strand, the reverse complement: BRCA1 is on the minus strand); deleting any 2 consecutive bases within chr17:43,094,794-43,094,796 gives the same sequence; the c. name uses the placement nearest the transcript's 3' end. VCF-style (leftmost placement, unchanged base first): chr17-43094793-CAA-C. GRCh37 (hg19) VCF-style: chr17-41246810-CAA-C.
Other names: c.522_523delTT, p.Leu175Glufs (NM_001407571.1, NM_001407853.1, NM_001407894.1 and 12 more transcripts); c.735_736delTT, p.Leu246Glufs (NM_001407581.1, NM_001407582.1, NM_001407583.1 and 52 more transcripts); c.732_733delTT, p.Leu245Glufs (NM_001407587.1, NM_001407590.1, NM_001407591.1 and 38 more transcripts); c.726_727delTT, p.Leu243Glufs (NM_001407646.1, NM_001407647.1, NM_001408408.1); c.612_613delTT, p.Leu205Glufs (NM_001407648.1, NM_001407664.1, NM_001407665.1 and 34 more transcripts); c.609_610delTT, p.Leu204Glufs (NM_001407649.1, NM_001407670.1, NM_001407671.1 and 20 more transcripts); c.657_658delTT, p.Leu220Glufs (NM_001407653.1, NM_001407654.1, NM_001407655.1 and 9 more transcripts); c.654_655delTT, p.Leu219Glufs (NM_001407659.1, NM_001407660.1, NM_001407661.1 and 3 more transcripts); and 16 more; short protein forms L199fs, L246fs.
Identifiers: ClinVar variation 2025419 (VCV002025419.4), dbSNP rs397509312, ClinGen allele CA2580094065.